The following is an entry in ClinVar:

NM_024529.5(CDC73):c.3G>A (p.Met1Ile)

Gene: CDC73 (cell division cycle 73; plus strand). Cytogenetic location: 1q31.2.
Variant type: single nucleotide variant.
Coding change: c.3G>A on transcript NM_024529.5 (MANE Select); coding-DNA position 3, G replaced by A.
Protein change: p.Met1Ile; changes the start codon (methionine 1).
Molecular consequence: missense variant, initiator codon variant.
Genome position (GRCh38, 1-based): chr1:193,122,203, G>A. VCF-style: chr1-193122203-G-A. GRCh37 (hg19) VCF-style: chr1-193091333-G-A.
Other names: short protein forms M1I.
Identifiers: ClinVar variation 3267 (VCV000003267.3), dbSNP rs28942098, ClinGen allele CA252641.
Genomic context (GRCh38, chr1:193,122,203, plus strand): 5'-GAGGCAGGCGCGGCGGCAGCGGCGGCGCCCCGAGCCGGCGGAGGCGAGGGGGGGGAAGAT[G>A]GCGGACGTGCTTAGCGTCCTGCGACAGTACAACATCCAGAAGAAGGAGATTGTGGTGAAG-3'
Protein context (NP_078805.3, residues 1-11): [Met1Ile]ADVLSVLRQY

ClinVar aggregate classification (germline): Pathogenic. Review status: criteria provided, single submitter (1 of 4 stars). 2 submissions from 2 submitters: Pathogenic (1). 1 of the submissions does not count toward it. Last evaluated 2025-08-03.

Conditions:
Hyperparathyroidism 2 with jaw tumors. Also called: Hyperparathyroidism 2; Hyperparathyroidism-Jaw Tumor Syndrome; HYPERPARATHYROIDISM, FAMILIAL PRIMARY, WITH MULTIPLE OSSIFYING JAW FIBROMAS; HYPERPARATHYROIDISM-JAW TUMOR SYNDROME, HEREDITARY. Identifiers: Orphanet 99880, MedGen C1704981, MONDO:0007768, OMIM 145001.
Parathyroid carcinoma (PRTC). Also called: CDC73-Related Parathyroid Carcinoma; Parathyroid gland carcinoma. Identifiers: Orphanet 143, MedGen C0687150, MONDO:0012004, OMIM 608266, HP:0006780.

Submissions (2):

Labcorp Genetics (formerly Invitae), Labcorp
Classification: Pathogenic for Parathyroid carcinoma. Last evaluated: 2025-08-03. Review status: criteria provided, single submitter. Criteria: Invitae Variant Classification Sherloc (09022015). Collection method: clinical testing. Allele origin: germline.
Comment: This sequence change affects the initiator codon of the CDC73 mRNA. This change may impact translation initiation or efficiency. The next in-frame methionine is located at codon 177. This variant is not present in population databases (gnomAD no frequency). Disruption of the initiator codon has been observed in individual(s) with CDC73-related conditions (PMID: 12434154, 30452964, 32590342). It has also been observed to segregate with disease in related individuals. ClinVar contains an entry for this variant (Variation ID: 3267). This variant disrupts a region of the CDC73 protein in which other variant(s) ( p.Leu63Pro) have been determined to be pathogenic (PMID: 18755853; internal data). This suggests that this is a clinically significant region of the protein, and that variants that disrupt it are likely to be disease-causing. For these reasons, this variant has been classified as Pathogenic.

OMIM
Classification: Pathogenic for HYPERPARATHYROIDISM-JAW TUMOR SYNDROME. Last evaluated: 2002-12-01. Review status: no assertion criteria provided. Collection method: literature only. Allele origin: germline. Not counted in ClinVar's aggregate classification.

Literature cited by the submitters: PubMed 12434154 (cited by Labcorp Genetics (formerly Invitae), Labcorp and OMIM); PubMed 30452964 (cited by Labcorp Genetics (formerly Invitae), Labcorp); PubMed 32590342 (cited by Labcorp Genetics (formerly Invitae), Labcorp); PubMed 18755853 (cited by Labcorp Genetics (formerly Invitae), Labcorp).